The following is an entry in ClinVar:

NM_177550.5(SLC13A5):c.741C>T (p.Leu247=)

Gene: SLC13A5 (solute carrier family 13 member 5; minus strand). Cytogenetic location: 17p13.1.
Variant type: single nucleotide variant.
Coding change: c.741C>T on transcript NM_177550.5 (MANE Select); coding-DNA position 741, C replaced by T.
Protein change: p.Leu247=; no amino-acid change (leucine 247 retained).
Molecular consequence: synonymous variant.
Genome position (GRCh38, 1-based): chr17:6,701,102, G>A on the plus strand (C>T on the coding strand, the complement: SLC13A5 is on the minus strand). VCF-style: chr17-6701102-G-A. GRCh37 (hg19) VCF-style: chr17-6604421-G-A.
Other names: c.741C>T, p.Leu247= (NM_001143838.3); c.690C>T, p.Leu230= (NM_001284509.2); c.612C>T, p.Leu204= (NM_001284510.2).
Identifiers: ClinVar variation 590002 (VCV000590002.18), dbSNP rs138520827, ClinGen allele CA8331612.

ClinVar aggregate classification (germline): Likely benign. Review status: criteria provided, multiple submitters, no conflicts (2 of 4 stars). 3 submissions from 3 submitters: Likely benign (3). Last evaluated 2026-04-01.

Conditions:
Developmental and epileptic encephalopathy, 25 (DEE25). Also called: Epileptic encephalopathy, early infantile, 25; Developmental and epileptic encephalopathy 25, with amelogenesis imperfecta; Epileptic encephalopathy, early infantile, 25, with amelogenesis imperfecta. Identifiers: Orphanet 442835, MedGen C4014621, MONDO:0014392, OMIM 615905.
Inborn genetic diseases. Identifiers: MedGen C0950123, MeSH D030342.

Allele frequency attached by ClinVar (database versions not stated): ESP Exome Variant Server 0.00008; gnomAD 0.00017; TOPMed 0.00022.
gnomAD v4.1: 79 of 1,613,966 alleles (0.0049%); highest among the groups gnomAD compares: Admixed American, 0.075%; no homozygotes.

Submissions (3):

CeGaT Center for Human Genetics Tuebingen
Classification: Likely benign. Last evaluated: 2026-04-01. Review status: criteria provided, single submitter. Criteria: CeGaT Center For Human Genetics Tuebingen Variant Classification Criteria Version 2. Collection method: clinical testing. Allele origin: germline. Affected: yes. Observed: 1 variant allele.
Comment: SLC13A5: BP4, BP7

Labcorp Genetics (formerly Invitae), Labcorp
Classification: Likely benign for Developmental and epileptic encephalopathy, 25. Last evaluated: 2025-11-12. Review status: criteria provided, single submitter. Criteria: Invitae Variant Classification Sherloc (09022015). Collection method: clinical testing. Allele origin: germline.

Ambry Genetics
Classification: Likely benign for Inborn genetic diseases. Last evaluated: 2016-12-20. Review status: criteria provided, single submitter. Criteria: Ambry Variant Classification Scheme 2023. Collection method: clinical testing. Allele origin: germline.